The following is an entry in ClinVar:

NM_007118.4(TRIO):c.2373C>T (p.Phe791=)

Gene: TRIO (trio Rho guanine nucleotide exchange factor; plus strand). Cytogenetic location: 5p15.2.
Variant type: single nucleotide variant.
Coding change: c.2373C>T on transcript NM_007118.4 (MANE Select); coding-DNA position 2373, C replaced by T.
Protein change: p.Phe791=; no amino-acid change (phenylalanine 791 retained).
Molecular consequence: synonymous variant. On other transcripts: non-coding transcript variant (1).
Genome position (GRCh38, 1-based): chr5:14,359,513, C>T. VCF-style: chr5-14359513-C-T. GRCh37 (hg19) VCF-style: chr5-14359622-C-T.
Identifiers: ClinVar variation 2655317 (VCV002655317.24), dbSNP rs147805232, ClinGen allele CA3205874.
Genomic context (GRCh38, chr5:14,359,513, plus strand): 5'-GGAGGAGCTCTTCCAGGAGCGCAAGATCAAGCTGGAGCTCTTCCTGCAGCTGCGCATCTT[C>T]GAGAGGGACGCCATCGACGTGAGTGTCCCGCGGCTGGCGCCTGCCTGCCTGTGGGAGCCC-3'
Protein context (NP_009049.2, residues 781-801): KLELFLQLRI[Phe791=]ERDAIDIISD

ClinVar aggregate classification (germline): Likely benign (1 of 4 stars; one submission).

Allele frequency attached by ClinVar (database versions not stated): ExAC 0.00010; gnomAD exomes 0.00010; ESP Exome Variant Server 0.00015; gnomAD 0.00019; 1000 Genomes Project 0.00020; TOPMed 0.00027; 1000 Genomes Project 30x 0.00031.
gnomAD v4.1: 171 of 1,614,006 alleles (0.011%); highest among the groups gnomAD compares: African/African-American, 0.08%; no homozygotes.

Submission:

CeGaT Center for Human Genetics Tuebingen
Classification: Likely benign. Last evaluated: 2025-12-01. Review status: criteria provided, single submitter. Criteria: CeGaT Center For Human Genetics Tuebingen Variant Classification Criteria Version 2. Collection method: clinical testing. Allele origin: germline. Affected: yes. Observed: 2 variant alleles.
Comment: TRIO: BP4, BP7